The following is an entry in ClinVar:

ClinVar aggregate classification (germline): Likely benign (1 of 4 stars; one submission).

Allele frequency attached by ClinVar (database versions not stated): gnomAD exomes 0.00005; TOPMed 0.00012; gnomAD 0.00017; ExAC 0.00026; 1000 Genomes Project 30x 0.00062; 1000 Genomes Project 0.00080.
gnomAD v4.1: 97 of 1,614,144 alleles (0.006%); highest among the groups gnomAD compares: East Asian, 0.2%; no homozygotes.

Submission:

CeGaT Center for Human Genetics Tuebingen
Classification: Likely benign. Last evaluated: 2026-07-01. Review status: criteria provided, single submitter. Criteria: CeGaT Center For Human Genetics Tuebingen Variant Classification Criteria Version 2. Collection method: clinical testing. Allele origin: germline. Affected: yes. Observed: 2 variant alleles.
Comment: NF1: BS1

NM_001042492.3(NF1):c.4836-20889A>T

Genes: EVI2B (ecotropic viral integration site 2B; minus strand), NF1 (neurofibromin 1; plus strand). Cytogenetic location: 17q11.2.
Variant type: single nucleotide variant.
Coding change: c.4836-20889A>T on transcript NM_001042492.3 (MANE Select); 20889 bases into the intron before coding-DNA position 4836, A replaced by T.
Molecular consequence: intron variant. On other transcripts: missense variant (1).
Genome position (GRCh38, 1-based): chr17:31,304,931, A>T. VCF-style: chr17-31304931-A-T. GRCh37 (hg19) VCF-style: chr17-29631949-A-T.
Other names: c.679T>A, p.Cys227Ser (NM_006495.4); c.4773-20889A>T (NM_000267.4); short protein forms C227S.
Identifiers: ClinVar variation 2647634 (VCV002647634.24), dbSNP rs553993530, ClinGen allele CA8486759.